The following is an entry in ClinVar:

NM_000455.5(STK11):c.464+1dup

Gene: STK11 (serine/threonine kinase 11; plus strand). Cytogenetic location: 19p13.3.
Variant type: Duplication.
Coding change: c.464+1dup on transcript NM_000455.5 (MANE Select); the canonical splice donor site of the intron after coding-DNA position 464, one base duplicated (G; older notation c.464+1dupG).
Molecular consequence: splice donor variant.
Genome position (GRCh38, 1-based): chr19:1,219,414, G duplicated; the last of 3 consecutive G bases (chr19:1,219,412-1,219,414); duplicating any one gives the same sequence. VCF-style (leftmost placement, unchanged base first): chr19-1219411-C-CG. GRCh37 (hg19) VCF-style: chr19-1219410-C-CG.
Other names: c.464+1dupG (NM_000455.4); c.464+1dup (NM_001407255.1).
Identifiers: ClinVar variation 1075654 (VCV001075654.10), dbSNP rs2145422531, ClinGen allele CA2499225344.

ClinVar aggregate classification (germline): Pathogenic. Review status: criteria provided, multiple submitters, no conflicts (2 of 4 stars). 2 submissions from 2 submitters: Pathogenic (2). Last evaluated 2025-05-20.

Conditions:
Hereditary cancer-predisposing syndrome. Also called: Neoplastic Syndromes, Hereditary; Hereditary neoplastic syndrome; Tumor predisposition; Hereditary Cancer Syndrome. Identifiers: Orphanet 140162, MedGen C0027672, MeSH D009386, MONDO:0015356.
Peutz-Jeghers syndrome (PJS). Also called: POLYPOSIS, HAMARTOMATOUS INTESTINAL; POLYPS-AND-SPOTS SYNDROME; Peutz-Jeghers polyposis; Periorificial lentiginosis syndrome. Identifiers: Orphanet 2869, MedGen C0031269, MeSH D010580, MONDO:0008280, OMIM 175200.

Submissions (2):

Ambry Genetics
Classification: Pathogenic for Hereditary cancer-predisposing syndrome. Last evaluated: 2025-05-20. Review status: criteria provided, single submitter. Criteria: Ambry Variant Classification Scheme 2023. Collection method: clinical testing. Allele origin: germline.
Comment: The c.464+1dupG intronic pathogenic mutation, results from a duplication of one nucleotide between positions c.464+1 and c.464+2 and involves the canonical splice donor site after coding exon 3 of the STK11 gene. In silico splice site analysis predicts that this alteration will weaken the native splice donor site and will result in the creation or strengthening of a novel splice donor site; however, the exact impact of this duplication on STK11 splicing and function is currently unknown. This variant has been reported in individuals with features consistent with Peutz-Jeghers syndrome (Su GH et al. Am J Pathol, 1999 Jun;154:1835-40; Westerman AM et al. Hum Mutat, 1999;13:476-81; Ambry internal data). The canonical splice donor site is highly conserved in available vertebrate species. Based on the supporting evidence, this variant is interpreted as a disease-causing mutation.

Labcorp Genetics (formerly Invitae), Labcorp
Classification: Pathogenic for Peutz-Jeghers syndrome. Last evaluated: 2020-06-01. Review status: criteria provided, single submitter. Criteria: Invitae Variant Classification Sherloc (09022015). Collection method: clinical testing. Allele origin: germline.
Comment: This sequence change creates a premature translational stop signal (p.Tyr156Valfs*7) in the STK11 gene. It is expected to result in an absent or disrupted protein product. For these reasons, this variant has been classified as Pathogenic. This variant is not present in population databases (ExAC no frequency). This variant has been observed in individual(s) with Peutz-Jeghers syndrome (PMID: 10408777, 10362809). It has also been observed to segregate with disease in related individuals. Algorithms developed to predict the effect of sequence changes on RNA splicing suggest that this variant may disrupt the consensus splice site, but this prediction has not been confirmed by published transcriptional studies. Loss-of-function variants in STK11 are known to be pathogenic (PMID: 15188174, 16287113).

Literature cited by the submitters: PubMed 10362809 (cited by Ambry Genetics and Labcorp Genetics (formerly Invitae), Labcorp); PubMed 10408777 (cited by Ambry Genetics and Labcorp Genetics (formerly Invitae), Labcorp); PubMed 15188174 (cited by Labcorp Genetics (formerly Invitae), Labcorp); PubMed 16287113 (cited by Labcorp Genetics (formerly Invitae), Labcorp).